The following is an entry in ClinVar:

NM_016529.6(ATP8A2):c.776A>G (p.Lys259Arg)

Gene: ATP8A2 (ATPase phospholipid transporting 8A2). Cytogenetic location: 13q12.13.
Variant type: single nucleotide variant.
Coding change: c.776A>G on transcript NM_016529.6 (MANE Select); coding-DNA position 776, A replaced by G.
Protein change: p.Lys259Arg; replaces lysine 259 with arginine.
Molecular consequence: missense variant.
Genome position (GRCh38, 1-based): chr13:25,542,043, A>G. VCF-style: chr13-25542043-A-G. GRCh37 (hg19) VCF-style: chr13-26116181-A-G.
Other names: c.656A>G, p.Lys219Arg (NM_001313741.1); short protein forms K219R, K259R.
Identifiers: ClinVar variation 1501266 (VCV001501266.8), dbSNP rs2137995373, ClinGen allele CA387612172.

ClinVar aggregate classification (germline): Uncertain significance (1 of 4 stars; one submission).

Submission:

Labcorp Genetics (formerly Invitae), Labcorp
Classification: Uncertain significance. Last evaluated: 2021-01-08. Review status: criteria provided, single submitter. Criteria: Invitae Variant Classification Sherloc (09022015). Collection method: clinical testing. Allele origin: germline.
Comment: In summary, the available evidence is currently insufficient to determine the role of this variant in disease. Therefore, it has been classified as a Variant of Uncertain Significance. This sequence change replaces lysine with arginine at codon 259 of the ATP8A2 protein (p.Lys259Arg). The lysine residue is weakly conserved and there is a small physicochemical difference between lysine and arginine. This variant is not present in population databases (ExAC no frequency). This variant has not been reported in the literature in individuals with ATP8A2-related conditions. Algorithms developed to predict the effect of missense changes on protein structure and function (SIFT, PolyPhen-2, Align-GVGD) all suggest that this variant is likely to be tolerated, but these predictions have not been confirmed by published functional studies and their clinical significance is uncertain.